The following is an entry in ClinVar:

ClinVar aggregate classification (germline): Benign. Review status: criteria provided, multiple submitters, no conflicts (2 of 4 stars). 9 submissions from 9 submitters: Benign (7). 2 of the submissions do not count toward it. Last evaluated 2026-02-04.

Conditions:
Mucopolysaccharidosis type 6 (MPS6). Also called: ARSB DEFICIENCY; ARYLSULFATASE B DEFICIENCY; MPS 6; Maroteaux Lamy syndrome; N-ACETYLGALACTOSAMINE-4-SULFATASE DEFICIENCY; MPS VI. Identifiers: Orphanet 583, MedGen C0026709, MONDO:0009661, OMIM 253200.

Allele frequency attached by ClinVar (database versions not stated): gnomAD exomes 0.19011; ExAC 0.20072; 1000 Genomes Project 30x 0.25828; 1000 Genomes Project 0.25919; gnomAD 0.26326 and 0.27041; TOPMed 0.27602; ESP Exome Variant Server 0.29179.
gnomAD v4.1: 309,432 of 1,612,794 alleles (19%); highest among the groups gnomAD compares: African/African-American, 51%; 35,452 homozygotes.

Submissions (9):

Labcorp Genetics (formerly Invitae), Labcorp
Classification: Benign for Mucopolysaccharidosis type 6. Last evaluated: 2026-02-04. Review status: criteria provided, single submitter. Criteria: Invitae Variant Classification Sherloc (09022015). Collection method: clinical testing. Allele origin: germline.

Pars Genome Lab
Classification: Benign for Mucopolysaccharidosis type 6. Last evaluated: 2021-06-19. Review status: criteria provided, single submitter. Criteria: ACMG Guidelines, 2015. Collection method: clinical testing. Allele origin: germline. Affected: no.

Illumina Laboratory Services, Illumina
Classification: Benign for Mucopolysaccharidosis type 6. Last evaluated: 2018-01-13. Review status: criteria provided, single submitter. Criteria: ICSL Variant Classification Criteria 13 December 2019. Collection method: clinical testing. Allele origin: germline.
Comment: This variant was observed in the ICSL laboratory as part of a predisposition screen in an ostensibly healthy population. It had not been previously curated by ICSL or reported in the Human Gene Mutation Database (HGMD: prior to June 1st, 2018), and was therefore a candidate for classification through an automated scoring system. Utilizing variant allele frequency, disease prevalence and penetrance estimates, and inheritance mode, an automated score was calculated to assess if this variant is too frequent to cause the disease. Based on the score and internal cut-off values, a variant classified as benign is not then subjected to further curation. The score for this variant resulted in a classification of benign for this disease.

GeneDx
Classification: Benign. Last evaluated: 2015-03-03. Review status: criteria provided, single submitter. Criteria: GeneDx Variant Classification Process June 2021. Collection method: clinical testing. Allele origin: germline. Affected: yes.

Eurofins Ntd Llc (ga)
Classification: Benign. Last evaluated: 2014-10-13. Review status: criteria provided, single submitter. Criteria: EGL Classification Definitions 2015. Collection method: clinical testing. Allele origin: germline. Observed: 24 variant alleles, 21 heterozygotes, 3 homozygotes.

Breakthrough Genomics
Classification: Benign. Review status: criteria provided, single submitter. Criteria: ACMG Guidelines, 2015. Collection method: not provided. Allele origin: germline. Inheritance: Autosomal recessive inheritance. Affected: yes.

PreventionGenetics, part of Exact Sciences
Classification: Benign. Review status: criteria provided, single submitter. Criteria: ACMG Guidelines, 2015. Collection method: clinical testing. Allele origin: germline.

Natera, Inc.
Classification: Benign for Mucopolysaccharidosis type VI. Last evaluated: 2019-11-20. Review status: no assertion criteria provided. Collection method: clinical testing. Allele origin: germline. Not counted in ClinVar's aggregate classification.

Mayo Clinic Laboratories, Mayo Clinic
Classification: Benign. Last evaluated: 2017-04-12. Review status: no assertion criteria provided. Collection method: clinical testing. Allele origin: unknown. Not counted in ClinVar's aggregate classification.

NM_000046.5(ARSB):c.1191G>A (p.Pro397=)

Gene: ARSB (arylsulfatase B; minus strand). Cytogenetic location: 5q14.1.
Variant type: single nucleotide variant.
Coding change: c.1191G>A on transcript NM_000046.5 (MANE Select); coding-DNA position 1191, G replaced by A.
Protein change: p.Pro397=; no amino-acid change (proline 397 retained).
Molecular consequence: synonymous variant.
Genome position (GRCh38, 1-based): chr5:78,839,378, C>T on the plus strand (G>A on the coding strand, the complement: ARSB is on the minus strand). VCF-style: chr5-78839378-C-T. GRCh37 (hg19) VCF-style: chr5-78135201-C-T.
Other names: c.1191G>A, p.Pro397= (NM_198709.3).
Identifiers: ClinVar variation 92354 (VCV000092354.25), dbSNP rs25413, ClinGen allele CA145653.
Genomic context (GRCh38, chr5:78,839,378, plus strand): 5'-AATTAGATTTAATCTAGTAGCAATGCACTGGTACTCACACGGTGAAGAGTCCACGAAGTT[C>T]GGGTCAATATTATGCAGCAGCTCAATTCTGGGGGATGGGCTTCCTTCACTGGAAAACAAT-3'
Protein context (NP_000037.2, residues 387-407): PRIELLHNID[Pro397=]NFVDSSPCPR